The following is an entry in ClinVar:

ClinVar aggregate classification (germline): Uncertain significance (1 of 4 stars; one submission).

Conditions:
Hereditary cancer-predisposing syndrome. Also called: Hereditary neoplastic syndrome; Neoplastic Syndromes, Hereditary; Tumor predisposition; Hereditary Cancer Syndrome. Identifiers: Orphanet 140162, MedGen C0027672, MeSH D009386, MONDO:0015356.

Submission:

Ambry Genetics
Classification: Uncertain significance for Hereditary cancer-predisposing syndrome. Last evaluated: 2025-02-27. Review status: criteria provided, single submitter. Criteria: Ambry Variant Classification Scheme 2023. Collection method: clinical testing. Allele origin: germline.
Comment: The p.D201N variant (also known as c.601G>A), located in coding exon 1 of the HOXB13 gene, results from a G to A substitution at nucleotide position 601. The amino acid change results in aspartic acid to asparagine at codon 201, an amino acid with highly similar properties. However, this change occurs in the last base pair of coding exon 1, which makes it likely to have some effect on normal mRNA splicing. This nucleotide position is highly conserved in available vertebrate species. This amino acid position is not well conserved in available vertebrate species. In silico splice site analysis predicts that this alteration may weaken the native splice donor site. In addition, as a missense substitution this alteration is predicted to be tolerated by in silico analysis. Based on the available evidence, the clinical significance of this variant remains unclear.

NM_006361.6(HOXB13):c.601G>A (p.Asp201Asn)

Gene: HOXB13 (homeobox B13; minus strand). Cytogenetic location: 17q21.32.
Variant type: single nucleotide variant.
Coding change: c.601G>A on transcript NM_006361.6 (MANE Select); coding-DNA position 601, G replaced by A.
Protein change: p.Asp201Asn; replaces aspartic acid 201 with asparagine.
Molecular consequence: missense variant.
Genome position (GRCh38, 1-based): chr17:48,727,993, C>T on the plus strand (G>A on the coding strand, the complement: HOXB13 is on the minus strand). VCF-style: chr17-48727993-C-T. GRCh37 (hg19) VCF-style: chr17-46805355-C-T.
Other names: short protein forms D201N.
Identifiers: ClinVar variation 3858432 (VCV003858432.1).